The following is an entry in ClinVar:

NM_021076.4(NEFH):c.1274G>C (p.Gly425Ala)

Gene: NEFH (neurofilament heavy chain; plus strand). Cytogenetic location: 22q12.2.
Variant type: single nucleotide variant.
Coding change: c.1274G>C on transcript NM_021076.4 (MANE Select); coding-DNA position 1274, G replaced by C.
Protein change: p.Gly425Ala; replaces glycine 425 with alanine.
Molecular consequence: missense variant.
Genome position (GRCh38, 1-based): chr22:29,488,914, G>C. VCF-style: chr22-29488914-G-C. GRCh37 (hg19) VCF-style: chr22-29884903-G-C.
Other names: short protein forms G425A.
Identifiers: ClinVar variation 1365516 (VCV001365516.6), dbSNP rs779767043, ClinGen allele CA10174181.
Genomic context (GRCh38, chr22:29,488,914, plus strand): 5'-TCCTGGAAGGTGAAGAGTGTCGGATTGGCTTTGGCCCAATTCCTTTCTCGCTTCCAGAAG[G>C]ACTCCCCAAAATTCCCTCTGTGTCCACTCACATAAAGGTGAAAAGCGAAGAGAAGATCAA-3'
Protein context (NP_066554.2, residues 415-435): FGPIPFSLPE[Gly425Ala]LPKIPSVSTH

ClinVar aggregate classification (germline): Uncertain significance (1 of 4 stars; one submission).

Allele frequency attached by ClinVar (database versions not stated): gnomAD 0.00001; gnomAD exomes 0.00001; ExAC 0.00002; TOPMed 0.00002.
gnomAD v4.1: 4 of 1,614,046 alleles (0.00025%); highest among the groups gnomAD compares: Admixed American, 0.0067%; no homozygotes.

Submission:

Labcorp Genetics (formerly Invitae), Labcorp
Classification: Uncertain significance. Last evaluated: 2024-05-30. Review status: criteria provided, single submitter. Criteria: Invitae Variant Classification Sherloc (09022015). Collection method: clinical testing. Allele origin: germline.
Comment: This sequence change replaces glycine, which is neutral and non-polar, with alanine, which is neutral and non-polar, at codon 425 of the NEFH protein (p.Gly425Ala). This variant is present in population databases (rs779767043, gnomAD 0.006%). This variant has not been reported in the literature in individuals affected with NEFH-related conditions. ClinVar contains an entry for this variant (Variation ID: 1365516). Advanced modeling of protein sequence and biophysical properties (such as structural, functional, and spatial information, amino acid conservation, physicochemical variation, residue mobility, and thermodynamic stability) performed at Invitae indicates that this missense variant is not expected to disrupt NEFH protein function with a negative predictive value of 95%. In summary, the available evidence is currently insufficient to determine the role of this variant in disease. Therefore, it has been classified as a Variant of Uncertain Significance.